The following is an entry in ClinVar:

ClinVar aggregate classification (germline): Uncertain significance (1 of 4 stars; one submission).

Submission:

Laboratory for Molecular Medicine, Mass General Brigham Personalized Medicine
Classification: Uncertain significance. Last evaluated: 2015-04-29. Review status: criteria provided, single submitter. Criteria: LMM Criteria. Collection method: clinical testing. Allele origin: germline. Observed: 1 variant allele.
Comment: The p.Gln1742_Glu1746del variant in MYH9 has not been previously reported in ind ividuals with hearing loss and was absent from large population studies. This va riant is an in-frame deletion of 5 amino acids starting at position 1742 and is not predicted to alter the protein's reading frame, however additional studies a re needed to determine whether the variant will impact the function of the prote in. In summary, the clinical significance of the p.Gln1742_Glu1746del variant is uncertain

NM_002473.6(MYH9):c.5225_5239del (p.Gln1742_Glu1746del)

Gene: MYH9 (myosin heavy chain 9; minus strand). Cytogenetic location: 22q12.3.
Variant type: Deletion.
Coding change: c.5225_5239del on transcript NM_002473.6 (MANE Select); coding-DNA positions 5225 to 5239, 15 bases deleted (AGGGCAACACGGAGC).
Protein change: p.Gln1742_Glu1746del.
Molecular consequence: inframe deletion.
Genome position (GRCh38, 1-based): chr22:36,285,693-36,285,707, GCTCCGTGTTGCCCT deleted on the plus strand (AGGGCAACACGGAGC on the coding strand, the reverse complement: MYH9 is on the minus strand); deleting any 15 consecutive bases within chr22:36,285,693-36,285,712 gives the same sequence; the c. name uses the placement nearest the transcript's 3' end. VCF-style (leftmost placement, unchanged base first): chr22-36285692-AGCTCCGTGTTGCCCT-A. GRCh37 (hg19) VCF-style: chr22-36681738-AGCTCCGTGTTGCCCT-A.
Identifiers: ClinVar variation 228930 (VCV000228930.4), dbSNP rs876657893, ClinGen allele CA10577132.